The following is an entry in ClinVar:

ClinVar aggregate classification (germline): Likely benign. Review status: criteria provided, multiple submitters, no conflicts (2 of 4 stars). 4 submissions from 4 submitters: Likely benign (4). Last evaluated 2026-08-01.

Conditions:
Inborn genetic diseases. Identifiers: MedGen C0950123, MeSH D030342.

Allele frequency attached by ClinVar (database versions not stated): 1000 Genomes Project 0.00080; 1000 Genomes Project 30x 0.00094; gnomAD 0.00096 and 0.00109; TOPMed 0.00108; ESP Exome Variant Server 0.00177.
gnomAD v4.1: 3,420 of 1,614,208 alleles (0.21%); highest among the groups gnomAD compares: South Asian, 0.48%; 13 homozygotes.

Submissions (7):

CeGaT Center for Human Genetics Tuebingen
Classification: Likely benign. Last evaluated: 2026-08-01. Review status: criteria provided, single submitter. Criteria: CeGaT Center For Human Genetics Tuebingen Variant Classification Criteria Version 2. Collection method: clinical testing. Allele origin: germline. Affected: yes. Observed: 10 variant alleles.
Comment: KIDINS220: BP4, BS2

Labcorp Genetics (formerly Invitae), Labcorp
Classification: Likely benign. Last evaluated: 2026-01-14. Review status: criteria provided, single submitter. Criteria: Invitae Variant Classification Sherloc (09022015). Collection method: clinical testing. Allele origin: germline.

Blueprint Genetics
Classification: Likely benign. Last evaluated: 2024-10-31. Review status: criteria provided, single submitter. Criteria: ACMG Guidelines, 2015. Collection method: clinical testing. Allele origin: germline.

Ambry Genetics
Classification: Likely benign for Inborn genetic diseases. Last evaluated: 2021-10-18. Review status: criteria provided, single submitter. Criteria: Ambry Variant Classification Scheme 2023. Collection method: clinical testing. Allele origin: germline.

Dr. Peter K. Rogan Lab, Western University
No classification provided (evidence only). Condition: Thyroid cancer, nonmedullary, 1. Review status: no classification provided. Collection method: in vitro. Allele origin: not applicable. Functional consequence: retained intron. Not counted in ClinVar's aggregate classification.

Dr. Peter K. Rogan Lab, Western University
No classification provided (evidence only). Condition: Thyroid cancer, nonmedullary, 1. Review status: no classification provided. Collection method: in vitro. Allele origin: not applicable. Functional consequence: retained intron. Not counted in ClinVar's aggregate classification.

Dr. Peter K. Rogan Lab, Western University
No classification provided (evidence only). Condition: Nonpapillary renal cell carcinoma. Review status: no classification provided. Collection method: in vitro. Allele origin: not applicable. Functional consequence: retained intron. Not counted in ClinVar's aggregate classification.

NM_020738.4(KIDINS220):c.3323A>G (p.Asn1108Ser)

Gene: KIDINS220 (kinase D interacting substrate 220; minus strand). Cytogenetic location: 2p25.1.
Variant type: single nucleotide variant.
Coding change: c.3323A>G on transcript NM_020738.4 (MANE Select); coding-DNA position 3323, A replaced by G.
Protein change: p.Asn1108Ser; replaces asparagine 1108 with serine.
Molecular consequence: missense variant. On other transcripts: non-coding transcript variant (2).
Genome position (GRCh38, 1-based): chr2:8,750,203, T>C on the plus strand (A>G on the coding strand, the complement: KIDINS220 is on the minus strand). VCF-style: chr2-8750203-T-C. GRCh37 (hg19) VCF-style: chr2-8890333-T-C.
Other names: c.3326A>G, p.Asn1109Ser (NM_001348729.2, NM_001348731.2, NM_001348734.2 and 2 more transcripts); c.3323A>G, p.Asn1108Ser (NM_001348732.2, NM_001348735.2, NM_001348738.2 and 3 more transcripts); c.3197A>G, p.Asn1066Ser (NM_001348736.2); short protein forms N1066S, N1108S, N1109S.
Identifiers: ClinVar variation 712924 (VCV000712924.35), dbSNP rs145408226, ClinGen allele CA1519702.